The following is an entry in ClinVar:

ClinVar aggregate classification (germline): Conflicting classifications of pathogenicity. Review status: criteria provided, conflicting classifications (1 of 4 stars). 5 submissions from 5 submitters: Uncertain significance (1); Benign (1); Likely benign (3). Last evaluated 2026-08-01.

Conditions:
Epidermolysis bullosa simplex 5C, with pyloric atresia (EBS5C). Also called: PLEC-Related Epidermolysis Bullosa with Pyloric Atresia; Epidermolysis bullosa simplex with pyloric atresia; PLEC1-Related Epidermolysis Bullosa with Pyloric Atresia. Identifiers: Orphanet 158684, MedGen C2677349, MONDO:0012807, OMIM 612138.
Epidermolysis bullosa simplex 5B, with muscular dystrophy (EBS5B). Also called: EPIDERMOLYSIS BULLOSA SIMPLEX AND LIMB-GIRDLE MUSCULAR DYSTROPHY; Epidermolysis bullosa simplex with muscular dystrophy. Identifiers: Orphanet 257, MedGen C2931072, MONDO:0009181, OMIM 226670.
Autosomal recessive limb-girdle muscular dystrophy type 2Q (LGMDR17). Also called: MUSCULAR DYSTROPHY, LIMB-GIRDLE, AUTOSOMAL RECESSIVE 17. Identifiers: Orphanet 254361, MedGen C3150989, MONDO:0013390, OMIM 613723.
Epidermolysis bullosa simplex with nail dystrophy (EBS5D). Identifiers: MedGen C4225309, MONDO:0014661, OMIM 616487.
Epidermolysis bullosa simplex, Ogna type (EBS5A). Also called: Pidermolysis bullosa simplex 5A, Ogna type; EPIDERMOLYSIS BULLOSA SIMPLEX 5A, OGNA TYPE. Identifiers: Orphanet 79401, MedGen C0432317, MONDO:0007555, OMIM 131950.

Allele frequency attached by ClinVar (database versions not stated): gnomAD 0.00078 and 0.00082; gnomAD exomes 0.00006 and 0.00016; ExAC 0.00022; ESP Exome Variant Server 0.00063; TOPMed 0.00072; 1000 Genomes Project 0.00180; 1000 Genomes Project 30x 0.00219.
gnomAD v4.1: 206 of 1,614,014 alleles (0.013%); highest among the groups gnomAD compares: African/African-American, 0.24%; 2 homozygotes.

Submissions (5):

CeGaT Center for Human Genetics Tuebingen
Classification: Likely benign. Last evaluated: 2026-08-01. Review status: criteria provided, single submitter. Criteria: CeGaT Center For Human Genetics Tuebingen Variant Classification Criteria Version 2. Collection method: clinical testing. Allele origin: germline. Affected: yes. Observed: 1 variant allele.
Comment: PLEC: BP4, BP7

Labcorp Genetics (formerly Invitae), Labcorp
Classification: Likely benign for Autosomal recessive limb-girdle muscular dystrophy type 2Q; Epidermolysis bullosa simplex, Ogna type; Epidermolysis bullosa simplex with nail dystrophy; Epidermolysis bullosa simplex 5C, with pyloric atresia; Epidermolysis bullosa simplex 5B, with muscular dystrophy. Last evaluated: 2025-11-21. Review status: criteria provided, single submitter. Criteria: Invitae Variant Classification Sherloc (09022015). Collection method: clinical testing. Allele origin: germline.

Athena Diagnostics
Classification: Benign. Last evaluated: 2024-08-29. Review status: criteria provided, single submitter. Criteria: Athena Diagnostics Criteria. Collection method: clinical testing. Allele origin: unknown.

Blueprint Genetics
Classification: Likely benign. Last evaluated: 2024-02-19. Review status: criteria provided, single submitter. Criteria: ACMG Guidelines, 2015. Collection method: clinical testing. Allele origin: germline.

Eurofins Ntd Llc (ga)
Classification: Uncertain significance. Last evaluated: 2018-08-10. Review status: criteria provided, single submitter. Criteria: EGL ClinVar v180209 classification definitions. Collection method: clinical testing. Allele origin: germline. Observed: 3 variant alleles, 3 heterozygotes.

NM_201384.3(PLEC):c.10566G>A (p.Thr3522=)

Gene: PLEC (plectin; minus strand). Cytogenetic location: 8q24.3.
Variant type: single nucleotide variant.
Coding change: c.10566G>A on transcript NM_201384.3 (MANE Select); coding-DNA position 10566, G replaced by A.
Protein change: p.Thr3522=; no amino-acid change (threonine 3522 retained).
Molecular consequence: synonymous variant.
Genome position (GRCh38, 1-based): chr8:143,919,255, C>T on the plus strand (G>A on the coding strand, the complement: PLEC is on the minus strand). VCF-style: chr8-143919255-C-T. GRCh37 (hg19) VCF-style: chr8-144993423-C-T.
Other names: c.10647G>A, p.Thr3549= (NM_000445.5); c.10524G>A, p.Thr3508= (NM_201378.4); c.10500G>A, p.Thr3500= (NM_201379.3); c.10977G>A, p.Thr3659= (NM_201380.4); c.10470G>A, p.Thr3490= (NM_201381.3); c.10566G>A, p.Thr3522= (NM_201382.4); c.10578G>A, p.Thr3526= (NM_201383.3).
Identifiers: ClinVar variation 501449 (VCV000501449.20), dbSNP rs200741156, ClinGen allele CA4924606.